The following is an entry in ClinVar:

NM_001184.4(ATR):c.4915G>A (p.Asp1639Asn)

Gene: ATR (ATR checkpoint kinase; minus strand). Cytogenetic location: 3q23.
Variant type: single nucleotide variant.
Coding change: c.4915G>A on transcript NM_001184.4 (MANE Select); coding-DNA position 4915, G replaced by A.
Protein change: p.Asp1639Asn; replaces aspartic acid 1639 with asparagine.
Molecular consequence: missense variant.
Genome position (GRCh38, 1-based): chr3:142,508,047, C>T on the plus strand (G>A on the coding strand, the complement: ATR is on the minus strand). VCF-style: chr3-142508047-C-T. GRCh37 (hg19) VCF-style: chr3-142226889-C-T.
Other names: c.4723G>A, p.Asp1575Asn (NM_001354579.2); short protein forms D1639N, D1575N.
Identifiers: ClinVar variation 1434710 (VCV001434710.6), dbSNP rs2108361304, ClinGen allele CA354820791.

ClinVar aggregate classification (germline): Uncertain significance (1 of 4 stars; one submission).

Submission:

Labcorp Genetics (formerly Invitae), Labcorp
Classification: Uncertain significance. Last evaluated: 2021-11-19. Review status: criteria provided, single submitter. Criteria: Invitae Variant Classification Sherloc (09022015). Collection method: clinical testing. Allele origin: germline.
Comment: This sequence change replaces aspartic acid, which is acidic and polar, with asparagine, which is neutral and polar, at codon 1639 of the ATR protein (p.Asp1639Asn). In summary, the available evidence is currently insufficient to determine the role of this variant in disease. Therefore, it has been classified as a Variant of Uncertain Significance. Algorithms developed to predict the effect of missense changes on protein structure and function output the following: SIFT: "Tolerated"; PolyPhen-2: "Possibly Damaging"; Align-GVGD: "Class C0". The asparagine amino acid residue is found in multiple mammalian species, which suggests that this missense change does not adversely affect protein function. This variant has not been reported in the literature in individuals affected with ATR-related conditions. This variant is not present in population databases (gnomAD no frequency).